The following is an entry in ClinVar:

ClinVar aggregate classification (germline): Conflicting classifications of pathogenicity. Review status: criteria provided, conflicting classifications (1 of 4 stars). 8 submissions from 8 submitters: Uncertain significance (6); Likely benign (1). 1 of the submissions does not count toward it. Last evaluated 2026-01-25.

Conditions:
POLE-related disorder. Also called: POLE-related disorders; POLE-related condition.
Facial dysmorphism-immunodeficiency-livedo-short stature syndrome. Also called: Facial dysmorphism, immunodeficiency, livedo, and short stature; FILS syndrome. Identifiers: Orphanet 352712, MedGen C3554576, MONDO:0014058, OMIM 615139.
Colorectal cancer, susceptibility to, 12 (CRCS12). Also called: COLORECTAL CANCER, SUSCEPTIBILITY TO, ON CHROMOSOME 12q24. Identifiers: Orphanet 220460, MedGen C3554460, MONDO:0014038, OMIM 615083.
Hereditary cancer-predisposing syndrome. Also called: Hereditary Cancer Syndrome; Hereditary neoplastic syndrome; Neoplastic Syndromes, Hereditary; Tumor predisposition. Identifiers: Orphanet 140162, MedGen C0027672, MeSH D009386, MONDO:0015356.

Allele frequency attached by ClinVar (database versions not stated): TOPMed 0.00004.
gnomAD v4.1: 262 of 1,612,688 alleles (0.016%); highest among the groups gnomAD compares: Non-Finnish European, 0.022%; no homozygotes.

Submissions (8):

Labcorp Genetics (formerly Invitae), Labcorp
Classification: Uncertain significance. Last evaluated: 2026-01-25. Review status: criteria provided, single submitter. Criteria: Invitae Variant Classification Sherloc (09022015). Collection method: clinical testing. Allele origin: germline.
Comment: This sequence change replaces proline, which is neutral and non-polar, with leucine, which is neutral and non-polar, at codon 697 of the POLE protein (p.Pro697Leu). This variant is present in population databases (rs36120395, gnomAD 0.008%). This variant has not been reported in the literature in individuals affected with POLE-related conditions. ClinVar contains an entry for this variant (Variation ID: 405654). Invitae Evidence Modeling of protein sequence and biophysical properties (such as structural, functional, and spatial information, amino acid conservation, physicochemical variation, residue mobility, and thermodynamic stability) indicates that this missense variant is not expected to disrupt POLE protein function with a negative predictive value of 80%. In summary, the available evidence is currently insufficient to determine the role of this variant in disease. Therefore, it has been classified as a Variant of Uncertain Significance.

Women's Health and Genetics/Laboratory Corporation of America, LabCorp
Classification: Uncertain significance. Last evaluated: 2025-09-03. Review status: criteria provided, single submitter. Criteria: LabCorp Variant Classification Summary - May 2015. Collection method: clinical testing. Allele origin: germline.
Comment: Variant summary: POLE c.2090C>T (p.Pro697Leu) results in a non-conservative amino acid change in the encoded protein sequence. Algorithms developed to predict the effect of missense changes on protein structure and function are either unavailable or do not agree on the potential impact of this missense change. The variant allele was found at a frequency of 4e-05 in 249370 control chromosomes. This frequency is not significantly higher than estimated for disease-causing variants in POLE, allowing no conclusion about variant significance. To our knowledge, no occurrence of c.2090C>T in individuals affected with POLE-related conditions and no experimental evidence demonstrating its impact on protein function have been reported. ClinVar contains an entry for this variant (Variation ID: 405654). Based on the evidence outlined above, the variant was classified as uncertain significance.

Ambry Genetics
Classification: Likely benign for Hereditary cancer-predisposing syndrome. Last evaluated: 2024-12-12. Review status: criteria provided, single submitter. Criteria: Ambry Variant Classification Scheme 2023. Collection method: clinical testing. Allele origin: germline.

GeneDx
Classification: Uncertain significance. Last evaluated: 2020-02-07. Review status: criteria provided, single submitter. Criteria: GeneDx Variant Classification (06012015). Collection method: clinical testing. Allele origin: germline. Affected: yes.
Comment: In silico analysis supports that this missense variant has a deleterious effect on protein structure/function Has not been previously published as pathogenic or benign to our knowledge

Fulgent Genetics
Classification: Uncertain significance for Colorectal cancer, susceptibility to, 12; Facial dysmorphism-immunodeficiency-livedo-short stature syndrome. Last evaluated: 2018-10-31. Review status: criteria provided, single submitter. Criteria: ACMG Guidelines, 2015. Collection method: clinical testing. Allele origin: unknown.

Quest Diagnostics Nichols Institute San Juan Capistrano
Classification: Uncertain significance. Last evaluated: 2018-06-06. Review status: criteria provided, single submitter. Criteria: Quest Diagnostics criteria. Collection method: clinical testing. Allele origin: germline.

Laboratory for Molecular Medicine, Mass General Brigham Personalized Medicine
Classification: Uncertain significance. Last evaluated: 2016-12-28. Review status: criteria provided, single submitter. Criteria: LMM Criteria. Collection method: clinical testing. Allele origin: germline. Observed: 1 variant allele.
Comment: The p.Pro697Leu variant in POLE has not been previously reported in individuals with colorectal cancer, but has been identified in 1/11552 of Latino chromosomes by the Exome Aggregation Consortium (ExAC; dbSN P rs36120395). Computational prediction tools and conservation analysis do not p rovide strong support for or against an impact to the protein. In summary, the c linical significance of the p.Pro697Leu variant is uncertain.

PreventionGenetics, part of Exact Sciences
Classification: Uncertain significance for POLE-related condition. Last evaluated: 2024-06-08. Review status: no assertion criteria provided. Collection method: clinical testing. Allele origin: germline. Not counted in ClinVar's aggregate classification.
Comment: The POLE c.2090C>T variant is predicted to result in the amino acid substitution p.Pro697Leu. To our knowledge, this variant has not been reported in the literature. This variant is reported in 0.0078% of alleles in individuals of European (Non-Finnish) descent in gnomAD and is interpreted as uncertain significance. At this time, the clinical significance of this variant is uncertain due to the absence of conclusive functional and genetic evidence.

NM_006231.4(POLE):c.2090C>T (p.Pro697Leu)

Gene: POLE (DNA polymerase epsilon, catalytic subunit; minus strand). Cytogenetic location: 12q24.33.
Variant type: single nucleotide variant.
Coding change: c.2090C>T on transcript NM_006231.4 (MANE Select); coding-DNA position 2090, C replaced by T.
Protein change: p.Pro697Leu; replaces proline 697 with leucine.
Molecular consequence: missense variant.
Genome position (GRCh38, 1-based): chr12:132,668,439, G>A on the plus strand (C>T on the coding strand, the complement: POLE is on the minus strand). VCF-style: chr12-132668439-G-A. GRCh37 (hg19) VCF-style: chr12-133245025-G-A.
Other names: short protein forms P697L.
Identifiers: ClinVar variation 405654 (VCV000405654.20), dbSNP rs36120395, ClinGen allele CA6893684.